The following is an entry in ClinVar:

NM_023110.3(FGFR1):c.448+1G>T

Gene: FGFR1 (fibroblast growth factor receptor 1; minus strand). Cytogenetic location: 8p11.23.
Variant type: single nucleotide variant.
Coding change: c.448+1G>T on transcript NM_023110.3 (MANE Select); the canonical splice donor site of the intron after coding-DNA position 448, G replaced by T.
Molecular consequence: splice donor variant. On other transcripts: intron variant (9).
Genome position (GRCh38, 1-based): chr8:38,428,345, C>A on the plus strand (G>T on the coding strand, the complement: FGFR1 is on the minus strand). VCF-style: chr8-38428345-C-A. GRCh37 (hg19) VCF-style: chr8-38285863-C-A.
Other names: c.175+7G>T (NM_001354368.2, NM_001354370.2, NM_023106.3); c.181+1G>T (NM_023105.3, NM_001174066.2); c.442+7G>T (NM_001354367.2, NM_015850.4, NM_001354369.2 and 2 more transcripts); c.448+1G>T (NM_001174063.2); c.424+1G>T (NM_001174064.2); c.541+7G>T (NM_001174067.2).
Identifiers: ClinVar variation 2634517 (VCV002634517.1), dbSNP rs376416531, ClinGen allele CA175150828.

ClinVar aggregate classification (germline): Uncertain significance (1 of 4 stars; one submission).

Conditions:
FGFR1-related disorder. Also called: FGFR1-related condition; FGFR1-related disorders. Identifiers: MedGen CN380097.

gnomAD v4.1: 1 of 1,613,348 alleles (0.000062%); highest among the groups gnomAD compares: African/African-American, 0.0013%; no homozygotes.

Submission:

PreventionGenetics, part of Exact Sciences
Classification: Uncertain significance for FGFR1-related condition. Last evaluated: 2022-08-19. Review status: criteria provided, single submitter. Criteria: ACMG Guidelines, 2015. Collection method: clinical testing. Allele origin: germline.
Comment: The FGFR1 c.448+1G>T variant is predicted to disrupt the GT donor site and interfere with normal splicing. This variant is predicted to disrupt the GT donor site and may slightly weaken the canonical donor splice site of exon 4 (Alamut Visual v2.11). The consequence of losing this splice site are not clear; if skipped, this exon may result in an in-frame deletion of 30 amino acids. To our knowledge, this variant has not been reported in the literature or in a large population database, indicating this variant is rare. At PreventionGenetics, we previously detected this variant in two individuals with causative variants in alternate genes. At this time, the clinical significance of this variant is uncertain due to a lack of conclusive genetic and functional evidence.